The following is an entry in ClinVar:

NM_005228.5(EGFR):c.3253A>G (p.Thr1085Ala)

Gene: EGFR (epidermal growth factor receptor; plus strand). Cytogenetic location: 7p11.2.
Variant type: single nucleotide variant.
Coding change: c.3253A>G on transcript NM_005228.5 (MANE Select); coding-DNA position 3253, A replaced by G.
Protein change: p.Thr1085Ala; replaces threonine 1085 with alanine.
Molecular consequence: missense variant.
Genome position (GRCh38, 1-based): chr7:55,202,607, A>G. VCF-style: chr7-55202607-A-G. GRCh37 (hg19) VCF-style: chr7-55270300-A-G.
Other names: c.3118A>G, p.Thr1040Ala (NM_001346897.2, NM_001346899.2); c.3253A>G, p.Thr1085Ala (NM_001346898.2); c.3094A>G, p.Thr1032Ala (NM_001346900.2); c.2452A>G, p.Thr818Ala (NM_001346941.2); short protein forms T1032A, T1040A, T1085A, T818A.
Identifiers: ClinVar variation 1051663 (VCV001051663.9), dbSNP rs1007460137, ClinGen allele CA367583521.

ClinVar aggregate classification (germline): Uncertain significance (1 of 4 stars; one submission).

Conditions:
EGFR-related lung cancer (EGFR). Identifiers: MedGen CN130014.

Submission:

Labcorp Genetics (formerly Invitae), Labcorp
Classification: Uncertain significance for EGFR-related lung cancer. Last evaluated: 2020-07-29. Review status: criteria provided, single submitter. Criteria: Invitae Variant Classification Sherloc (09022015). Collection method: clinical testing. Allele origin: germline.
Comment: This variant is not present in population databases (ExAC no frequency). In summary, the available evidence is currently insufficient to determine the role of this variant in disease. Therefore, it has been classified as a Variant of Uncertain Significance. Algorithms developed to predict the effect of missense changes on protein structure and function output the following: SIFT: "Tolerated"; PolyPhen-2: "Benign"; Align-GVGD: "Class C0". The alanine amino acid residue is found in multiple mammalian species, suggesting that this missense change does not adversely affect protein function. These predictions have not been confirmed by published functional studies and their clinical significance is uncertain. This variant has not been reported in the literature in individuals with EGFR-related conditions. This sequence change replaces threonine with alanine at codon 1085 of the EGFR protein (p.Thr1085Ala). The threonine residue is weakly conserved and there is a small physicochemical difference between threonine and alanine.